The following is an entry in ClinVar:

ClinVar aggregate classification (germline): Benign/Likely benign. Review status: criteria provided, multiple submitters, no conflicts (2 of 4 stars). 4 submissions from 4 submitters: Benign (1); Likely benign (2). 1 of the submissions does not count toward it. Last evaluated 2025-09-23.

Conditions:
PLEC-related disorder. Also called: PLEC-related condition; PLEC-related disorders.
Autosomal recessive limb-girdle muscular dystrophy type 2Q (LGMDR17). Also called: MUSCULAR DYSTROPHY, LIMB-GIRDLE, AUTOSOMAL RECESSIVE 17. Identifiers: Orphanet 254361, MedGen C3150989, MONDO:0013390, OMIM 613723.
Epidermolysis bullosa simplex 5B, with muscular dystrophy (EBS5B). Also called: EPIDERMOLYSIS BULLOSA SIMPLEX AND LIMB-GIRDLE MUSCULAR DYSTROPHY; Epidermolysis bullosa simplex with muscular dystrophy. Identifiers: Orphanet 257, MedGen C2931072, MONDO:0009181, OMIM 226670.
Epidermolysis bullosa simplex with nail dystrophy (EBS5D). Identifiers: MedGen C4225309, MONDO:0014661, OMIM 616487.
Epidermolysis bullosa simplex 5C, with pyloric atresia (EBS5C). Also called: PLEC-Related Epidermolysis Bullosa with Pyloric Atresia; PLEC1-Related Epidermolysis Bullosa with Pyloric Atresia; Epidermolysis bullosa simplex with pyloric atresia. Identifiers: Orphanet 158684, MedGen C2677349, MONDO:0012807, OMIM 612138.
Epidermolysis bullosa simplex, Ogna type (EBS5A). Also called: Pidermolysis bullosa simplex 5A, Ogna type; EPIDERMOLYSIS BULLOSA SIMPLEX 5A, OGNA TYPE. Identifiers: Orphanet 79401, MedGen C0432317, MONDO:0007555, OMIM 131950.

Allele frequency attached by ClinVar (database versions not stated): 1000 Genomes Project 30x 0.00062; TOPMed 0.00001; gnomAD exomes 0.00047; ExAC 0.00058; 1000 Genomes Project 0.00060.
gnomAD v4.1: 336 of 1,611,578 alleles (0.021%); highest among the groups gnomAD compares: South Asian, 0.35%; 1 homozygote.

Submissions (4):

Labcorp Genetics (formerly Invitae), Labcorp
Classification: Benign for Autosomal recessive limb-girdle muscular dystrophy type 2Q; Epidermolysis bullosa simplex, Ogna type; Epidermolysis bullosa simplex with nail dystrophy; Epidermolysis bullosa simplex 5C, with pyloric atresia; Epidermolysis bullosa simplex 5B, with muscular dystrophy. Last evaluated: 2025-09-23. Review status: criteria provided, single submitter. Criteria: Invitae Variant Classification Sherloc (09022015). Collection method: clinical testing. Allele origin: germline.

Blueprint Genetics
Classification: Likely benign. Last evaluated: 2024-05-23. Review status: criteria provided, single submitter. Criteria: ACMG Guidelines, 2015. Collection method: clinical testing. Allele origin: germline.

Eurofins Ntd Llc (ga)
Classification: Likely benign. Last evaluated: 2015-10-02. Review status: criteria provided, single submitter. Criteria: EGL Classification Definitions 2015. Collection method: clinical testing. Allele origin: germline. Observed: 1 variant allele, 1 heterozygote.

PreventionGenetics, part of Exact Sciences
Classification: Likely benign for PLEC-related condition. Last evaluated: 2021-04-14. Review status: no assertion criteria provided. Collection method: clinical testing. Allele origin: germline. Not counted in ClinVar's aggregate classification.
Comment: This variant is classified as likely benign based on ACMG/AMP sequence variant interpretation guidelines (Richards et al. 2015 PMID: 25741868, with internal and published modifications).

NM_201384.3(PLEC):c.921C>T (p.Phe307=)

Gene: PLEC (plectin; minus strand). Cytogenetic location: 8q24.3.
Variant type: single nucleotide variant.
Coding change: c.921C>T on transcript NM_201384.3 (MANE Select); coding-DNA position 921, C replaced by T.
Protein change: p.Phe307=; no amino-acid change (phenylalanine 307 retained).
Molecular consequence: synonymous variant.
Genome position (GRCh38, 1-based): chr8:143,934,834, G>A on the plus strand (C>T on the coding strand, the complement: PLEC is on the minus strand). VCF-style: chr8-143934834-G-A. GRCh37 (hg19) VCF-style: chr8-145009002-G-A.
Other names: c.1002C>T, p.Phe334= (NM_000445.5); c.879C>T, p.Phe293= (NM_201378.4); c.855C>T, p.Phe285= (NM_201379.3); c.1332C>T, p.Phe444= (NM_201380.4); c.825C>T, p.Phe275= (NM_201381.3); c.921C>T, p.Phe307= (NM_201382.4); c.933C>T, p.Phe311= (NM_201383.3).
Identifiers: ClinVar variation 283404 (VCV000283404.17), dbSNP rs546380802, ClinGen allele CA4928258.